The following is an entry in ClinVar:

ClinVar aggregate classification (germline): Pathogenic (1 of 4 stars; one submission).

Conditions:
Wiskott-Aldrich syndrome (WAS). Also called: ALDRICH SYNDROME; IMMUNODEFICIENCY 2; WISKOTT-ALDRICH SYNDROME 1; Wiskott-aldrich syndrome, somatic. Identifiers: Orphanet 906, MedGen C0043194, MONDO:0010518, OMIM 301000.
Thrombocytopenia 1. Also called: X-linked thrombocytopenia with normal platelets; X-Linked Thrombocytopenia (XLT); THROMBOCYTOPENIA, X-LINKED, 1. Identifiers: Orphanet 268322, Orphanet 852, MedGen C1839163, MONDO:0010743, OMIM 313900.
X-linked severe congenital neutropenia (SCNX). Identifiers: Orphanet 86788, MedGen C1845987, MONDO:0010294, OMIM 300299.

Submission:

Labcorp Genetics (formerly Invitae), Labcorp
Classification: Pathogenic for Wiskott-Aldrich syndrome; X-linked severe congenital neutropenia; Thrombocytopenia 1. Last evaluated: 2025-02-03. Review status: criteria provided, single submitter. Criteria: Invitae Variant Classification Sherloc (09022015). Collection method: clinical testing. Allele origin: germline.
Comment: This sequence change creates a premature translational stop signal (p.Gln152*) in the WAS gene. It is expected to result in an absent or disrupted protein product. Loss-of-function variants in WAS are known to be pathogenic (PMID: 15284122). This variant is not present in population databases (gnomAD no frequency). This premature translational stop signal has been observed in individual(s) with clinical features of WAS-related conditions (PMID: 35874699). Algorithms developed to predict the effect of sequence changes on RNA splicing suggest that this variant may disrupt the consensus splice site. For these reasons, this variant has been classified as Pathogenic.

Literature cited by the submitters: PubMed 15284122; PubMed 35874699.

NM_000377.3(WAS):c.454C>T (p.Gln152Ter)

Gene: WAS (WASP actin nucleation promoting factor; plus strand). Cytogenetic location: Xp11.23.
Variant type: single nucleotide variant.
Coding change: c.454C>T on transcript NM_000377.3 (MANE Select); coding-DNA position 454, C replaced by T.
Protein change: p.Gln152Ter; replaces glutamine 152 with a stop codon.
Molecular consequence: nonsense.
Genome position (GRCh38, 1-based): chrX:48,685,827, C>T. VCF-style: chrX-48685827-C-T. GRCh37 (hg19) VCF-style: chrX-48544216-C-T.
Other names: short protein forms Q152*.
Identifiers: ClinVar variation 3749652 (VCV003749652.2).
Genomic context (GRCh38, chrX:48,685,827, plus strand): 5'-GACGAGGCCCAGGCCTTCCGGGCCCTCGTGCAGGAGAAGATACAAAAAAGGAATCAGAGG[C>T]AAAGTGGAGGTGAGGAGGCCACAGGGGAGGAAAGGAAGTTGGGCAGAGGTGAGTGCAAGC-3'